The following is an entry in ClinVar:

ClinVar aggregate classification (germline): Likely benign (1 of 4 stars; one submission).

gnomAD v4.1: 20 of 1,273,126 alleles (0.0016%); highest among the groups gnomAD compares: Non-Finnish European, 0.0019%; no homozygotes.

Submission:

CeGaT Center for Human Genetics Tuebingen
Classification: Likely benign. Last evaluated: 2026-06-01. Review status: criteria provided, single submitter. Criteria: CeGaT Center For Human Genetics Tuebingen Variant Classification Criteria Version 2. Collection method: clinical testing. Allele origin: germline. Affected: yes. Observed: 1 variant allele.
Comment: TRIM28: BP4, BP7

NM_005762.3(TRIM28):c.72G>A (p.Glu24=)

Genes: TRIM28 (tripartite motif containing 28; plus strand), LOC130065239 (ATAC-STARR-seq lymphoblastoid silent region 11093; plus strand). Cytogenetic location: 19q13.43.
Variant type: single nucleotide variant.
Coding change: c.72G>A on transcript NM_005762.3 (MANE Select); coding-DNA position 72, G replaced by A.
Protein change: p.Glu24=; no amino-acid change (glutamic acid 24 retained).
Molecular consequence: synonymous variant.
Genome position (GRCh38, 1-based): chr19:58,544,829, G>A. VCF-style: chr19-58544829-G-A. GRCh37 (hg19) VCF-style: chr19-59056196-G-A.
Identifiers: ClinVar variation 4873871 (VCV004873871.2).
Genomic context (GRCh38, chr19:58,544,829, plus strand): 5'-CGCGGCGGCAGCCTCGGCAGCAGCGGCCTCGGCCGCCTCTGGCAGCCCGGGCCCGGGCGA[G>A]GGCTCCGCTGGCGGCGAAAAGCGCTCCACCGCCCCTTCGGCCGCAGCCTCGGCCTCTGCC-3'
Protein context (NP_005753.1, residues 14-34): SAASGSPGPG[Glu24=]GSAGGEKRST